The following is an entry in ClinVar:

NM_001369.3(DNAH5):c.4139G>A (p.Arg1380Gln)

Genes: DNAH5 (dynein axonemal heavy chain 5; minus strand), DNAH5-AS1 (DNAH5 antisense RNA 1; plus strand). Cytogenetic location: 5p15.2.
Variant type: single nucleotide variant.
Coding change: c.4139G>A on transcript NM_001369.3 (MANE Select); coding-DNA position 4139, G replaced by A.
Protein change: p.Arg1380Gln; replaces arginine 1380 with glutamine.
Molecular consequence: missense variant.
Genome position (GRCh38, 1-based): chr5:13,865,884, C>T on the plus strand (G>A on the coding strand, the complement: DNAH5 is on the minus strand). VCF-style: chr5-13865884-C-T. GRCh37 (hg19) VCF-style: chr5-13865993-C-T.
Other names: short protein forms R1380Q.
Identifiers: ClinVar variation 351135 (VCV000351135.15), dbSNP rs779980906, ClinGen allele CA3204050.

ClinVar aggregate classification (germline): Conflicting classifications of pathogenicity. Review status: criteria provided, conflicting classifications (1 of 4 stars). 3 submissions from 3 submitters: Uncertain significance (2); Likely benign (1). Last evaluated 2026-01-06.

Conditions:
DNAH5-related disorder. Also called: DNAH5-related condition.
Primary ciliary dyskinesia. Also called: Ciliary dyskinesia. Identifiers: Orphanet 244, MedGen C0008780, MONDO:0016575, HP:0012265.

Allele frequency attached by ClinVar (database versions not stated): gnomAD exomes 0.00003 and 0.00010; gnomAD 0.00004 and 0.00005; TOPMed 0.00006; ExAC 0.00011.
gnomAD v4.1: 56 of 1,602,396 alleles (0.0035%); highest among the groups gnomAD compares: East Asian, 0.049%; no homozygotes.

Submissions (3):

Labcorp Genetics (formerly Invitae), Labcorp
Classification: Likely benign for Primary ciliary dyskinesia. Last evaluated: 2026-01-06. Review status: criteria provided, single submitter. Criteria: Invitae Variant Classification Sherloc (09022015). Collection method: clinical testing. Allele origin: germline.

PreventionGenetics, part of Exact Sciences
Classification: Uncertain significance for DNAH5-related condition. Last evaluated: 2024-12-10. Review status: criteria provided, single submitter. Criteria: ACMG Guidelines, 2015. Collection method: clinical testing. Allele origin: germline.
Comment: The DNAH5 c.4139G>A variant is predicted to result in the amino acid substitution p.Arg1380Gln. To our knowledge, this variant has not been reported in the literature. This variant is reported in 0.070% of alleles in individuals of East Asian descent in gnomAD. At this time, the clinical significance of this variant is uncertain due to the absence of conclusive functional and genetic evidence.

Blueprint Genetics
Classification: Uncertain significance. Last evaluated: 2023-05-22. Review status: criteria provided, single submitter. Criteria: ACMG Guidelines, 2015. Collection method: clinical testing. Allele origin: germline.